The following is an entry in ClinVar:

ClinVar aggregate classification (germline): Uncertain significance (1 of 4 stars; one submission).

Conditions:
Biotinidase deficiency. Also called: BTD deficiency; Late-onset biotin-responsive multiple carboxylase deficiency; Biotin deficiency. Identifiers: Orphanet 79241, MedGen C0220754, MONDO:0009665, OMIM 253260.

Submission:

Labcorp Genetics (formerly Invitae), Labcorp
Classification: Uncertain significance for Biotinidase deficiency. Last evaluated: 2018-10-23. Review status: criteria provided, single submitter. Criteria: Invitae Variant Classification Sherloc (09022015). Collection method: clinical testing. Allele origin: germline.
Comment: Experimental studies and prediction algorithms are not available for this variant, and the functional significance of the affected amino acid(s) is currently unknown. In summary, the available evidence is currently insufficient to determine the role of this variant in disease. Therefore, it has been classified as a Variant of Uncertain Significance. This variant, c.1176_1178delCAC, results in the deletion of 1 amino acid(s) of the BTD protein (p.Thr393del), but otherwise preserves the integrity of the reading frame. This variant is not present in population databases (ExAC no frequency). This variant has not been reported in the literature in individuals with BTD-related disease.

NM_001370658.1(BTD):c.1116_1118del (p.Thr373del)

Gene: BTD (biotinidase; plus strand). Cytogenetic location: 3p25.1.
Variant type: Deletion.
Coding change: c.1116_1118del on transcript NM_001370658.1 (MANE Select); coding-DNA positions 1116 to 1118, 3 bases deleted (CAC; older notation c.1116_1118delCAC).
Protein change: p.Thr373del; deletes threonine 373.
Molecular consequence: intron variant (on NM_001370752.1).
Genome position (GRCh38, 1-based): chr3:15,645,032-15,645,034, CAC deleted; deleting any 3 consecutive bases within chr3:15,645,031-15,645,034 gives the same sequence; the c. name uses the placement nearest the transcript's 3' end. VCF-style (leftmost placement, unchanged base first): chr3-15645030-CCCA-C. GRCh37 (hg19) VCF-style: chr3-15686537-CCCA-C.
Other names: c.1116_1118del, p.Thr373del (NM_001407370.1, NM_001407371.1, NM_001407372.1 and 16 more transcripts); c.1015+101_1015+103del (NM_001370752.1, NM_001407379.1); c.399+2975_399+2977del (NM_001370753.1, NM_001407400.1, NM_001407401.1 and 3 more transcripts); c.1176_1178delCAC (NM_000060.3); short protein forms T373del.
Identifiers: ClinVar variation 651913 (VCV000651913.10), dbSNP rs2065654912, ClinGen allele CA1139655729.